The following is an entry in ClinVar:

ClinVar aggregate classification (germline): Uncertain significance (1 of 4 stars; one submission).

Conditions:
Methylmalonic acidemia due to transcobalamin receptor defect (MATR). Also called: METHYLMALONIC ACIDEMIA, TCblR TYPE; METHYLMALONIC ACIDURIA, TRANSIENT, DUE TO TRANSCOBALAMIN RECEPTOR DEFECT. Identifiers: Orphanet 280183, MedGen C4749905, MONDO:0013341, OMIM 613646.

Submission:

Labcorp Genetics (formerly Invitae), Labcorp
Classification: Uncertain significance for Methylmalonic acidemia due to transcobalamin receptor defect. Last evaluated: 2025-07-27. Review status: criteria provided, single submitter. Criteria: Invitae Variant Classification Sherloc (09022015). Collection method: clinical testing. Allele origin: germline.
Comment: This sequence change replaces arginine, which is basic and polar, with histidine, which is basic and polar, at codon 129 of the CD320 protein (p.Arg129His). This variant is present in population databases (rs139064611, gnomAD 0.04%). This variant has not been reported in the literature in individuals affected with CD320-related conditions. An algorithm developed to predict the effect of missense changes on protein structure and function outputs the following: PolyPhen-2: "Benign". The histidine amino acid residue is found in multiple mammalian species, which suggests that this missense change does not adversely affect protein function. In summary, the available evidence is currently insufficient to determine the role of this variant in disease. Therefore, it has been classified as a Variant of Uncertain Significance.

NM_016579.4(CD320):c.386G>A (p.Arg129His)

Gene: CD320 (CD320 molecule; minus strand). Cytogenetic location: 19p13.2.
Variant type: single nucleotide variant.
Coding change: c.386G>A on transcript NM_016579.4 (MANE Select); coding-DNA position 386, G replaced by A.
Protein change: p.Arg129His; replaces arginine 129 with histidine.
Molecular consequence: missense variant.
Genome position (GRCh38, 1-based): chr19:8,303,971, C>T on the plus strand (G>A on the coding strand, the complement: CD320 is on the minus strand). VCF-style: chr19-8303971-C-T. GRCh37 (hg19) VCF-style: chr19-8368855-C-T.
Other names: c.260G>A, p.Arg87His (NM_001165895.2); short protein forms R129H, R87H.
Identifiers: ClinVar variation 4809534 (VCV004809534.1).